The following is an entry in ClinVar:

ClinVar aggregate classification (germline): Uncertain significance (1 of 4 stars; one submission).

Submission:

Women's Health and Genetics/Laboratory Corporation of America, LabCorp
Classification: Uncertain significance. Last evaluated: 2024-09-16. Review status: criteria provided, single submitter. Criteria: LabCorp Variant Classification Summary - May 2015. Collection method: clinical testing. Allele origin: germline.
Comment: Variant summary: ABCA4 c.5939C>T (p.Thr1980Ile) results in a non-conservative amino acid change located in the ABC transporter-like, ATP-binding domain (IPR003439) of the encoded protein sequence. Five of five in-silico tools predict a damaging effect of the variant on protein function. The variant was absent in 250826 control chromosomes. The available data on variant occurrences in the general population are insufficient to allow any conclusion about variant significance. c.5939C>T has been reported in the literature in at least one compound heterozygous individual affected with Stargardt Disease (Nassisi_2018) and additional individuals with Inherited Retinal Disease with unspecified zygosity (Karali_2022). These report(s) do not provide unequivocal conclusions about association of the variant with Stargardt Disease. To our knowledge, no experimental evidence demonstrating an impact on protein function has been reported. The following publications have been ascertained in the context of this evaluation (PMID: 36460718, 30060493). No submitters have cited clinical-significance assessments for this variant to ClinVar. Based on the evidence outlined above, the variant was classified as uncertain significance.

Literature cited by the submitters: PubMed 36460718; PubMed 30060493.

NM_000350.3(ABCA4):c.5939C>T (p.Thr1980Ile)

Gene: ABCA4 (ATP binding cassette subfamily A member 4; minus strand). Cytogenetic location: 1p22.1.
Variant type: single nucleotide variant.
Coding change: c.5939C>T on transcript NM_000350.3 (MANE Select); coding-DNA position 5939, C replaced by T.
Protein change: p.Thr1980Ile; replaces threonine 1980 with isoleucine.
Molecular consequence: missense variant.
Genome position (GRCh38, 1-based): chr1:94,007,700, G>A on the plus strand (C>T on the coding strand, the complement: ABCA4 is on the minus strand). VCF-style: chr1-94007700-G-A. GRCh37 (hg19) VCF-style: chr1-94473256-G-A.
Other names: c.5717C>T, p.Thr1906Ile (NM_001425324.1); short protein forms T1906I, T1980I.
Identifiers: ClinVar variation 3375458 (VCV003375458.1).